The following is an entry in ClinVar:

ClinVar aggregate classification (germline): Pathogenic. Review status: criteria provided, single submitter (1 of 4 stars). 2 submissions from 2 submitters: Pathogenic (1). 1 of the submissions does not count toward it. Last evaluated 2024-11-22.

Conditions:
Renal carnitine transport defect (CDSP). Also called: Systemic primary carnitine deficiency; Carnitine transporter deficiency; Carnitine Deficiency, Systemic; CARNITINE DEFICIENCY, SYSTEMIC, DUE TO DEFECT IN RENAL REABSORPTION OF CARNITINE; CARNITINE TRANSPORTER, PLASMA-MEMBRANE, DEFICIENCY OF; CARNITINE UPTAKE DEFECT. Identifiers: Orphanet 158, MedGen C0342788, MONDO:0008919, OMIM 212140.

Submissions (2):

Labcorp Genetics (formerly Invitae), Labcorp
Classification: Pathogenic for Renal carnitine transport defect. Last evaluated: 2024-11-22. Review status: criteria provided, single submitter. Criteria: Invitae Variant Classification Sherloc (09022015). Collection method: clinical testing. Allele origin: germline.
Comment: This sequence change creates a premature translational stop signal (p.Trp62*) in the SLC22A5 gene. It is expected to result in an absent or disrupted protein product. Loss-of-function variants in SLC22A5 are known to be pathogenic (PMID: 9916797). This variant is not present in population databases (gnomAD no frequency). This premature translational stop signal has been observed in individual(s) with primary carnitine deficiency (PMID: 26190315). ClinVar contains an entry for this variant (Variation ID: 557956). For these reasons, this variant has been classified as Pathogenic.

Counsyl
Classification: Likely pathogenic for Renal carnitine transport defect. Last evaluated: 2018-04-18. Review status: no assertion criteria provided. Collection method: clinical testing. Allele origin: unknown. Not counted in ClinVar's aggregate classification.

Literature cited by the submitters: PubMed 9916797 (cited by Labcorp Genetics (formerly Invitae), Labcorp); PubMed 26190315 (cited by Labcorp Genetics (formerly Invitae), Labcorp).

NM_003060.4(SLC22A5):c.185G>A (p.Trp62Ter)

Gene: SLC22A5 (solute carrier family 22 member 5; plus strand). Cytogenetic location: 5q31.1.
Variant type: single nucleotide variant.
Coding change: c.185G>A on transcript NM_003060.4 (MANE Select); coding-DNA position 185, G replaced by A.
Protein change: p.Trp62Ter; replaces tryptophan 62 with a stop codon.
Molecular consequence: nonsense.
Genome position (GRCh38, 1-based): chr5:132,370,157, G>A. VCF-style: chr5-132370157-G-A. GRCh37 (hg19) VCF-style: chr5-131705849-G-A.
Other names: c.185G>A, p.Trp62Ter (NM_001308122.2); short protein forms W62*.
Identifiers: ClinVar variation 557956 (VCV000557956.4), dbSNP rs1554085942, ClinGen allele CA360802546.
Genomic context (GRCh38, chr5:132,370,157, plus strand): 5'-TGATAGCGACCCCGGAGCACCGCTGCCGGGTGCCGGACGCCGCGAACCTGAGCAGCGCCT[G>A]GCGCAACCACACTGTCCCACTGCGGCTGCGGGACGGCCGCGAGGTGCCCCACAGCTGCCG-3'